The following is an entry in ClinVar:

NM_001457.4(FLNB):c.7349A>T (p.Tyr2450Phe)

Genes: FLNB (filamin B; plus strand), FLNB-AS1 (FLNB antisense RNA 1; minus strand). Cytogenetic location: 3p14.3.
Variant type: single nucleotide variant.
Coding change: c.7349A>T on transcript NM_001457.4 (MANE Select); coding-DNA position 7349, A replaced by T.
Protein change: p.Tyr2450Phe; replaces tyrosine 2450 with phenylalanine.
Molecular consequence: missense variant.
Genome position (GRCh38, 1-based): chr3:58,168,590, A>T. VCF-style: chr3-58168590-A-T. GRCh37 (hg19) VCF-style: chr3-58154317-A-T.
Other names: c.7442A>T, p.Tyr2481Phe (NM_001164317.2); c.7316A>T, p.Tyr2439Phe (NM_001164318.2); c.7277A>T, p.Tyr2426Phe (NM_001164319.2); short protein forms Y2426F, Y2439F, Y2450F, Y2481F.
Identifiers: ClinVar variation 4531907 (VCV004531907.1).

ClinVar aggregate classification (germline): Uncertain significance (1 of 4 stars; one submission).

Conditions:
Larsen syndrome (LRS). Also called: Bilateral dislocation of the knees, pes cavus, cylindrically shaped fingers and characteristic facies; Larsen syndrome (FLNB-LS). Identifiers: Orphanet 503, MedGen C0175778, MONDO:0007875, OMIM 150250. Disease mechanism: loss of function.

Submission:

Victorian Clinical Genetics Services, Murdoch Childrens Research Institute
Classification: Uncertain significance for Larsen syndrome. Last evaluated: 2025-06-19. Review status: criteria provided, single submitter. Criteria: ACMG Guidelines, 2015. Collection method: clinical testing. Allele origin: germline. Affected: yes.
Comment: This variant is classified as VUS-3B. Evidence in support of pathogenic classification: Variant is absent from gnomAD (v2, v3 and v4); Missense variant predicted to be damaging by in silico tool(s) or highly conserved with a major amino acid change. Additional information: Variant is predicted to result in a missense amino acid change from tyrosine to phenylalanine; This variant is heterozygous; This gene is known to be associated with both recessive and dominant disease. The recessive condition is caused by biallelic loss-of-function variants and is associated with spondylocarpotarsal synostosis syndrome. The autosomal dominant FLNB-related disorders are mostly caused by gain-of-function variants (PMIDs: 29566257, 22190451); This variant has no previous evidence of pathogenicity; No published evidence of segregation with disease has been identified for this variant; No published functional evidence has been identified for this variant; No comparable missense variants have previous evidence for pathogenicity; Variant is located in the annotated filamin/ABP280 repeat domain (DECIPHER); Both loss- and gain-of-function are known mechanisms of disease for this gene. Protein-truncating or nonsense mediated decay (NMD) predicted variants are associated with a loss-of-function mechanism. Missense variants and small in-frame deletion or insertion variants are associated with a gain-of-function mechanism (PMID: 29566257, 22190451, 31836586); Parental origin of the variant is unresolved.

Literature cited by the submitters: PubMed 22190451; PubMed 31836586; PubMed 29566257.